The following is an entry in ClinVar:

NM_004747.4(DLG5):c.3200G>A (p.Arg1067His)

Gene: DLG5 (discs large MAGUK scaffold protein 5; minus strand). Cytogenetic location: 10q22.3.
Variant type: single nucleotide variant.
Coding change: c.3200G>A on transcript NM_004747.4 (MANE Select); coding-DNA position 3200, G replaced by A.
Protein change: p.Arg1067His; replaces arginine 1067 with histidine.
Molecular consequence: missense variant.
Genome position (GRCh38, 1-based): chr10:77,821,284, C>T on the plus strand (G>A on the coding strand, the complement: DLG5 is on the minus strand). VCF-style: chr10-77821284-C-T. GRCh37 (hg19) VCF-style: chr10-79581042-C-T.
Other names: short protein forms R1067H.
Identifiers: ClinVar variation 218653 (VCV000218653.25), dbSNP rs201354863, ClinGen allele CA249349.

ClinVar aggregate classification (germline): Conflicting classifications of pathogenicity. Review status: criteria provided, conflicting classifications (1 of 4 stars). 2 submissions from 2 submitters: Uncertain significance (1); Likely benign (1). Last evaluated 2024-02-01.

Allele frequency attached by ClinVar (database versions not stated): gnomAD 0.00059; ESP Exome Variant Server 0.00062; TOPMed 0.00066; gnomAD exomes 0.00070 and 0.00049; ExAC 0.00058.
gnomAD v4.1: 854 of 1,613,680 alleles (0.053%); highest among the groups gnomAD compares: Middle Eastern, 0.78%; 6 homozygotes.

Submissions (2):

CeGaT Center for Human Genetics Tuebingen
Classification: Likely benign. Last evaluated: 2024-02-01. Review status: criteria provided, single submitter. Criteria: CeGaT Center For Human Genetics Tuebingen Variant Classification Criteria Version 2. Collection method: clinical testing. Allele origin: germline. Affected: yes. Observed: 2 variant alleles.
Comment: DLG5: BP4

Genomic Diagnostic Laboratory, Division of Genomic Diagnostics, Children's Hospital of Philadelphia
Classification: Uncertain significance. Last evaluated: 2015-04-17. Review status: criteria provided, single submitter. Criteria: DGD Variant Analysis Guidelines. Collection method: clinical testing. Allele origin: unknown.